The following is an entry in ClinVar:

NM_006432.5(NPC2):c.2T>A (p.Met1Lys)

Gene: NPC2 (NPC intracellular cholesterol transporter 2; minus strand). Cytogenetic location: 14q24.3.
Variant type: single nucleotide variant.
Coding change: c.2T>A on transcript NM_006432.5 (MANE Select); coding-DNA position 2, T replaced by A.
Protein change: p.Met1Lys; changes the start codon (methionine 1).
Molecular consequence: missense variant, initiator codon variant.
Genome position (GRCh38, 1-based): chr14:74,493,273, A>T on the plus strand (T>A on the coding strand, the complement: NPC2 is on the minus strand). VCF-style: chr14-74493273-A-T. GRCh37 (hg19) VCF-style: chr14-74959976-A-T.
Other names: c.2T>A, p.Met1Lys (NM_001363688.1, NM_001375440.1); short protein forms M1K.
Identifiers: ClinVar variation 2846910 (VCV002846910.3), dbSNP rs1555346368, ClinGen allele CA390377017.

ClinVar aggregate classification (germline): Pathogenic (1 of 4 stars; one submission).

Conditions:
Niemann-Pick disease, type C2 (NPC2). Identifiers: Orphanet 646, MedGen C1843366, MONDO:0011873, OMIM 607625.

Submission:

Labcorp Genetics (formerly Invitae), Labcorp
Classification: Pathogenic for Niemann-Pick disease, type C2. Last evaluated: 2023-03-28. Review status: criteria provided, single submitter. Criteria: Invitae Variant Classification Sherloc (09022015). Collection method: clinical testing. Allele origin: germline.
Comment: Disruption of the initiator codon has been observed in individual(s) with Niemann-Pick disease type C (PMID: 19252935, 24915861). In at least one individual the data is consistent with being in trans (on the opposite chromosome) from a pathogenic variant. This variant is not present in population databases (gnomAD no frequency). This sequence change affects the initiator methionine of the NPC2 mRNA. The next in-frame methionine is located at codon 79. This variant disrupts a region of the NPC2 protein in which other variant(s) (p.Cys47Phe) have been observed in individuals with NPC2-related conditions (PMID: 12955717, 15937921, 17470133). This suggests that this is a clinically significant region of the protein, and that variants that disrupt it are likely to be disease-causing. For these reasons, this variant has been classified as Pathogenic.

Literature cited by the submitters: PubMed 19252935; PubMed 24915861; PubMed 12955717; PubMed 15937921; PubMed 17470133.